The following is an entry in ClinVar:

NM_002875.5(RAD51):c.934T>G (p.Cys312Gly)

Gene: RAD51 (RAD51 recombinase; plus strand). Cytogenetic location: 15q15.1.
Variant type: single nucleotide variant.
Coding change: c.934T>G on transcript NM_002875.5 (MANE Select); coding-DNA position 934, T replaced by G.
Protein change: p.Cys312Gly; replaces cysteine 312 with glycine.
Molecular consequence: missense variant.
Genome position (GRCh38, 1-based): chr15:40,731,092, T>G. VCF-style: chr15-40731092-T-G. GRCh37 (hg19) VCF-style: chr15-41023290-T-G.
Other names: c.937T>G, p.Cys313Gly (NM_001164269.2, NM_133487.4); c.812T>G, p.Leu271Arg (NM_001164270.2); short protein forms C312G, C313G, L271R.
Identifiers: ClinVar variation 1700903 (VCV001700903.2), dbSNP rs2141887028, ClinGen allele CA391760791.

ClinVar aggregate classification (germline): Uncertain significance (1 of 4 stars; one submission).

Submission:

GeneDx
Classification: Uncertain significance. Last evaluated: 2022-02-13. Review status: criteria provided, single submitter. Criteria: GeneDx Variant Classification Process June 2021. Collection method: clinical testing. Allele origin: germline. Affected: yes.
Comment: Not observed at significant frequency in large population cohorts (gnomAD); In silico analysis supports that this missense variant has a deleterious effect on protein structure/function; Has not been previously published as pathogenic or benign to our knowledge